The following is an entry in ClinVar:

NM_007294.4(BRCA1):c.45del (p.Asn16fs)

Gene: BRCA1 (BRCA1 DNA repair associated; minus strand). Cytogenetic location: 17q21.31.
Variant type: Deletion.
Coding change: c.45del on transcript NM_007294.4 (MANE Select); coding-DNA position 45, one base deleted (T; older notation c.45delT).
Protein change: p.Asn16fs; shifts the reading frame from asparagine 16.
Molecular consequence: frameshift variant. On other transcripts: 5 prime UTR variant (1), non-coding transcript variant (1).
Genome position (GRCh38, 1-based): chr17:43,124,052, A deleted on the plus strand (T on the coding strand, the reverse complement: BRCA1 is on the minus strand); the first of 2 consecutive A bases (chr17:43,124,052-43,124,053); deleting either gives the same sequence. VCF-style (leftmost placement, unchanged base first): chr17-43124051-TA-T. GRCh37 (hg19) VCF-style: chr17-41276068-TA-T.
Other names: c.45delT (NM_007294.3); c.44delT, p.Asn16Metfs (NM_001407984.1, NM_001407985.1, NM_001407986.1 and 192 more transcripts); c.-217delT (NM_001408410.1, NM_001408452.1, NM_001408462.1 and 22 more transcripts); c.-44delT (NM_001408454.1, NM_001408459.1, NM_001408460.1 and 22 more transcripts); c.-214delT (NM_001408455.1, NM_001408456.1, NM_001408468.1 and 11 more transcripts); c.-218delT (NM_001408465.1, NM_001407695.1); c.-145delT (NM_001408478.1, NM_001408479.1, NM_001408480.1 and 46 more transcripts); c.-290delT (NM_001408482.1); and 11 more; short protein forms N16fs.
Identifiers: ClinVar variation 182100 (VCV000182100.19), dbSNP rs730881457, ClinGen allele CA002922.

ClinVar aggregate classification (germline): Pathogenic. Review status: reviewed by expert panel (3 of 4 stars). 6 submissions from 6 submitters: Pathogenic (1). 5 of the submissions do not count toward it. Last evaluated 2016-09-08.

Conditions:
Hereditary cancer-predisposing syndrome. Also called: Hereditary Cancer Syndrome; Hereditary neoplastic syndrome; Tumor predisposition; Neoplastic Syndromes, Hereditary. Identifiers: Orphanet 140162, MedGen C0027672, MeSH D009386, MONDO:0015356.
Hereditary breast ovarian cancer syndrome. Also called: Hereditary breast and ovarian cancer syndrome; Hereditary breast and ovarian cancer syndrome (HBOC); BRCA1- and BRCA2-Associated Hereditary Breast and Ovarian Cancer; Breast and ovarian cancer; Hereditary breast and ovarian cancer; Hereditary breast and/or ovarian cancer syndrome. Identifiers: Orphanet 145, MedGen C0677776, MeSH D061325, MONDO:0003582. Disease mechanism: loss of function.
Breast-ovarian cancer, familial, susceptibility to, 1 (BROVCA1). Also called: OVARIAN CANCER, SUSCEPTIBILITY TO; BRCA1 Hereditary Breast and Ovarian Cancer. Identifiers: Orphanet 145, MedGen C2676676, MONDO:0011450, OMIM 604370. Disease mechanism: loss of function.

Submissions (6):

Evidence-based Network for the Interpretation of Germline Mutant Alleles (ENIGMA)
Classification: Pathogenic for Breast-ovarian cancer, familial, susceptibility to, 1. Last evaluated: 2016-09-08. Review status: reviewed by expert panel. Criteria: ENIGMA BRCA1/2 Classification Criteria (2015). Collection method: curation. Allele origin: germline.
Comment: Variant allele predicted to encode a truncated non-functional protein.

Quest Diagnostics Nichols Institute San Juan Capistrano
Classification: Pathogenic. Last evaluated: 2024-05-07. Review status: criteria provided, single submitter. Criteria: Quest Diagnostics criteria. Collection method: clinical testing. Allele origin: unknown. Not counted in ClinVar's aggregate classification.
Comment: The BRCA1 c.45del (p.Asn16Metfs*7) variant alters the translational reading frame of the BRCA1 mRNA and causes the premature termination of BRCA1 protein synthesis. This variant has not been reported in individuals with BRCA1-related conditions in the published literature. This variant has not been reported in large, multi-ethnic general populations (Genome Aggregation Database). Based on the available information, this variant is classified as pathogenic.

GeneDx
Classification: Pathogenic. Last evaluated: 2023-12-28. Review status: criteria provided, single submitter. Criteria: GeneDx Variant Classification Process June 2021. Collection method: clinical testing. Allele origin: germline. Affected: yes. Not counted in ClinVar's aggregate classification.
Comment: Frameshift variant predicted to result in protein truncation or nonsense mediated decay in a gene for which loss of function is a known mechanism of disease; Not observed at significant frequency in large population cohorts (gnomAD); Truncating variants in this gene are considered pathogenic by a well-established clinical consortium and/or database; Has not been previously published as pathogenic or benign to our knowledge; Also known as 164del

Labcorp Genetics (formerly Invitae), Labcorp
Classification: Pathogenic for Hereditary breast ovarian cancer syndrome. Last evaluated: 2023-12-05. Review status: criteria provided, single submitter. Criteria: Invitae Variant Classification Sherloc (09022015). Collection method: clinical testing. Allele origin: germline. Not counted in ClinVar's aggregate classification.
Comment: This sequence change creates a premature translational stop signal (p.Asn16Metfs*7) in the BRCA1 gene. It is expected to result in an absent or disrupted protein product. Loss-of-function variants in BRCA1 are known to be pathogenic (PMID: 20104584). This variant is not present in population databases (gnomAD no frequency). This premature translational stop signal has been observed in individual(s) with clinical features of BRCA1-related conditions (PMID: 21520333). ClinVar contains an entry for this variant (Variation ID: 182100). For these reasons, this variant has been classified as Pathogenic.

Ambry Genetics
Classification: Pathogenic for Hereditary cancer-predisposing syndrome. Last evaluated: 2020-11-05. Review status: criteria provided, single submitter. Criteria: Ambry Variant Classification Scheme 2023. Collection method: clinical testing. Allele origin: germline. Not counted in ClinVar's aggregate classification.
Comment: The c.45delT variant, located in coding exon 1 of the BRCA1 gene, results from a deletion of one nucleotide at nucleotide position 45, causing a translational frameshift with a predicted alternate stop codon (p.N16Mfs*7).This alteration is expected to result in loss of function by premature protein truncation or nonsense-mediated mRNA decay. As such, this alteration is interpreted as a disease-causing mutation.

Women's Health and Genetics/Laboratory Corporation of America, LabCorp
Classification: Pathogenic for Hereditary breast and ovarian cancer syndrome. Last evaluated: 2019-07-10. Review status: criteria provided, single submitter. Criteria: LabCorp Variant Classification Summary - May 2015. Collection method: clinical testing. Allele origin: germline. Not counted in ClinVar's aggregate classification.
Comment: Variant summary: BRCA1 c.45delT (p.Asn16MetfsX7) results in a premature termination codon, predicted to cause a truncation of the encoded protein or absence of the protein due to nonsense mediated decay, which are commonly known mechanisms for disease. Truncations downstream of this position have been classified as pathogenic by our laboratory. The variant was absent in 251110 control chromosomes. To our knowledge, no occurrence of c.45delT in individuals affected with Hereditary Breast and Ovarian Cancer and no experimental evidence demonstrating its impact on protein function have been reported. One expert panel (ENIGMA) has submitted clinical-significance assessments for this variant to ClinVar after 2014 without evidence for independent evaluation and classified the variant as pathogenic. Another clinical laboratory with a submitted clinical-significance assement for this variant to ClinVar in 2014 classified the variant as pathogenic. Based on the evidence outlined above, the variant was classified as pathogenic.

Literature cited by the submitters: PubMed 20104584 (cited by Labcorp Genetics (formerly Invitae), Labcorp); PubMed 21520333 (cited by Labcorp Genetics (formerly Invitae), Labcorp).